The following is an entry in ClinVar:

ClinVar aggregate classification (germline): Likely pathogenic (1 of 4 stars; one submission).

Conditions:
IGHMBP2-related disorder. Also called: IGHMBP2-related condition; IGHMBP2-related disorders.

gnomAD v4.1: 1 of 1,612,844 alleles (0.000062%); highest among the groups gnomAD compares: Middle Eastern, 0.017%; no homozygotes.

Submission:

PreventionGenetics, part of Exact Sciences
Classification: Likely pathogenic for IGHMBP2-related condition. Last evaluated: 2025-11-26. Review status: criteria provided, single submitter. Criteria: ACMG Guidelines, 2015. Collection method: clinical testing. Allele origin: germline.
Comment: The IGHMBP2 c.2731C>T variant is predicted to result in premature protein termination (p.Gln911*). To our knowledge, this variant has not been reported in the literature or in a large population database (gnomAD), indicating this variant is rare. Nonsense variants in IGHMBP2 are expected to be pathogenic. This variant is interpreted as likely pathogenic.

NM_002180.3(IGHMBP2):c.2731C>T (p.Gln911Ter)

Gene: IGHMBP2 (immunoglobulin mu DNA binding protein 2; plus strand). Cytogenetic location: 11q13.3.
Variant type: single nucleotide variant.
Coding change: c.2731C>T on transcript NM_002180.3 (MANE Select); coding-DNA position 2731, C replaced by T.
Protein change: p.Gln911Ter; replaces glutamine 911 with a stop codon.
Molecular consequence: nonsense.
Genome position (GRCh38, 1-based): chr11:68,938,301, C>T. VCF-style: chr11-68938301-C-T. GRCh37 (hg19) VCF-style: chr11-68705769-C-T.
Other names: short protein forms Q911*.
Identifiers: ClinVar variation 4996378 (VCV004996378.1).